The following is an entry in ClinVar:

ClinVar aggregate classification (germline): Pathogenic (1 of 4 stars; one submission).

Conditions:
Hereditary cancer-predisposing syndrome. Also called: Hereditary neoplastic syndrome; Neoplastic Syndromes, Hereditary; Tumor predisposition; Hereditary Cancer Syndrome. Identifiers: Orphanet 140162, MedGen C0027672, MeSH D009386, MONDO:0015356.

Submission:

Ambry Genetics
Classification: Pathogenic for Hereditary cancer-predisposing syndrome. Last evaluated: 2022-09-22. Review status: criteria provided, single submitter. Criteria: Ambry Variant Classification Scheme 2023. Collection method: clinical testing. Allele origin: germline.
Comment: The c.7021delT pathogenic mutation, located in coding exon 47 of the ATM gene, results from a deletion of one nucleotide at nucleotide position 7021, causing a translational frameshift with a predicted alternate stop codon (p.C2341Vfs*5). This variant is considered to be rare based on population cohorts in the Genome Aggregation Database (gnomAD). This alteration is expected to result in loss of function by premature protein truncation or nonsense-mediated mRNA decay. As such, this alteration is interpreted as a disease-causing mutation.

NM_000051.4(ATM):c.7021del (p.Cys2341fs)

Genes: ATM (ATM serine/threonine kinase; plus strand), C11orf65 (chromosome 11 open reading frame 65; minus strand). Cytogenetic location: 11q22.3.
Variant type: Deletion.
Coding change: c.7021del on transcript NM_000051.4 (MANE Select); coding-DNA position 7021, one base deleted (T; older notation c.7021delT).
Protein change: p.Cys2341fs; shifts the reading frame from cysteine 2341.
Molecular consequence: frameshift variant. On other transcripts: intron variant (2).
Genome position (GRCh38, 1-based): chr11:108,327,690, T deleted; the last of 3 consecutive T bases (chr11:108,327,688-108,327,690); deleting any one gives the same sequence. VCF-style (leftmost placement, unchanged base first): chr11-108327687-GT-G. GRCh37 (hg19) VCF-style: chr11-108198414-GT-G.
Other names: c.7021del, p.Cys2341fs (NM_001351834.2); c.641-18617del (NM_001330368.2); c.*38+7532del (NM_001351110.2); short protein forms C2341fs.
Identifiers: ClinVar variation 1756729 (VCV001756729.2), dbSNP rs2136375625, ClinGen allele CA2580083176.